The following is an entry in ClinVar:

NM_052867.4(NALCN):c.2942G>A (p.Gly981Glu)

Gene: NALCN (sodium leak channel, non-selective; minus strand). Cytogenetic location: 13q33.1.
Variant type: single nucleotide variant.
Coding change: c.2942G>A on transcript NM_052867.4 (MANE Select); coding-DNA position 2942, G replaced by A.
Protein change: p.Gly981Glu; replaces glycine 981 with glutamic acid.
Molecular consequence: missense variant.
Genome position (GRCh38, 1-based): chr13:101,103,287, C>T on the plus strand (G>A on the coding strand, the complement: NALCN is on the minus strand). VCF-style: chr13-101103287-C-T. GRCh37 (hg19) VCF-style: chr13-101755638-C-T.
Other names: c.3029G>A, p.Gly1010Glu (NM_001350748.2); c.2942G>A, p.Gly981Glu (NM_001350749.2); c.2855G>A, p.Gly952Glu (NM_001350750.2, NM_001350751.2); short protein forms G1010E, G952E, G981E.
Identifiers: ClinVar variation 4975680 (VCV004975680.1).
Genomic context (GRCh38, chr13:101,103,287, plus strand): 5'-GGCACCAGTTTGAATATGCGCAGAGGTCTCAGGCACCGAAGGACCATTAGAAGCTGAGCT[C>T]CCGATTCAGCAGGTACATTTTGAGGCATCCAACAAAGAAATATCAAGCTCACCTAAAGGG-3'
Protein context (NP_443099.1, residues 971-991): WMPQNVPAES[Gly981Glu]AQLLMVLRCL

ClinVar aggregate classification (germline): Uncertain significance (1 of 4 stars; one submission).

Submission:

GeneDx
Classification: Uncertain significance. Last evaluated: 2026-02-05. Review status: criteria provided, single submitter. Criteria: GeneDx Variant Classification Process June 2021. Collection method: clinical testing. Allele origin: germline.
Comment: Not observed at significant frequency in large population cohorts (gnomAD); In silico analysis suggests that this missense variant does not alter protein structure/function; Has not been previously published as pathogenic or benign to our knowledge